The following is an entry in ClinVar:

ClinVar aggregate classification (germline): Uncertain significance (1 of 4 stars; one submission).

Conditions:
Intellectual developmental disorder, autosomal dominant 22. Also called: Intellectual disability, autosomal dominant 22. Identifiers: MedGen CN029689, MONDO:0012869, OMIM 612337.

Submission:

3billion
Classification: Uncertain significance for Intellectual developmental disorder, autosomal dominant 22. Last evaluated: 2023-07-11. Review status: criteria provided, single submitter. Criteria: ACMG Guidelines, 2015. Collection method: clinical testing. Allele origin: germline. Affected: yes.
Comment: The variant is not observed in the gnomAD v2.1.1 dataset. Predicted Consequence/Location: Missense changes are a common disease-causing mechanism. Therefore, this variant is classified as VUS according to the recommendation of ACMG/AMP guideline.

NM_205768.3(ZBTB18):c.247G>T (p.Ala83Ser)

Gene: ZBTB18 (zinc finger and BTB domain containing 18; plus strand). Cytogenetic location: 1q44.
Variant type: single nucleotide variant.
Coding change: c.247G>T on transcript NM_205768.3 (MANE Select); coding-DNA position 247, G replaced by T.
Protein change: p.Ala83Ser; replaces alanine 83 with serine.
Molecular consequence: missense variant.
Genome position (GRCh38, 1-based): chr1:244,054,021, G>T. VCF-style: chr1-244054021-G-T. GRCh37 (hg19) VCF-style: chr1-244217323-G-T.
Other names: c.220G>T, p.Ala74Ser (NM_001278196.2, NM_006352.5); c.247G>T, p.Ala83Ser (NM_001421566.1); short protein forms A74S, A83S.
Identifiers: ClinVar variation 3776196 (VCV003776196.1).